The following is an entry in ClinVar:

ClinVar aggregate classification (germline): Uncertain significance (1 of 4 stars; one submission).

Conditions:
Spastic paraplegia. Identifiers: MedGen C0037772, HP:0001258.

Submission:

Labcorp Genetics (formerly Invitae), Labcorp
Classification: Uncertain significance for Spastic paraplegia. Last evaluated: 2025-02-17. Review status: criteria provided, single submitter. Criteria: Invitae Variant Classification Sherloc (09022015). Collection method: clinical testing. Allele origin: germline.
Comment: This variant, c.97_108dup, results in the insertion of 4 amino acid(s) of the SLC16A2 protein (p.Ser33_Glu36dup), but otherwise preserves the integrity of the reading frame. This variant is present in population databases (no rsID available, gnomAD 0.002%). This variant has not been reported in the literature in individuals affected with SLC16A2-related conditions. ClinVar contains an entry for this variant (Variation ID: 2752021). In summary, the available evidence is currently insufficient to determine the role of this variant in disease. Therefore, it has been classified as a Variant of Uncertain Significance.

NM_006517.5(SLC16A2):c.97_108dup (p.Glu36_Pro37insSerGluProGlu)

Gene: SLC16A2 (solute carrier family 16 member 2; plus strand). Cytogenetic location: Xq13.2.
Variant type: Duplication.
Coding change: c.97_108dup on transcript NM_006517.5 (MANE Select); coding-DNA positions 97 to 108, 12 bases duplicated (TCTGAGCCGGAG).
Protein change: p.Glu36_Pro37insSerGluProGlu.
Molecular consequence: inframe insertion.
Genome position (GRCh38, 1-based): chrX:74,421,734-74,421,745, TCTGAGCCGGAG duplicated; duplicating any 12 consecutive bases within chrX:74,421,725-74,421,745 gives the same sequence; the c. name uses the placement nearest the transcript's 3' end. VCF-style (leftmost placement, unchanged base first): chrX-74421724-A-AGAGCCGGAGTCT. GRCh37 (hg19) VCF-style: chrX-73641559-A-AGAGCCGGAGTCT.
Identifiers: ClinVar variation 2752021 (VCV002752021.3), dbSNP rs753170095, ClinGen allele CA643005906.